The following is an entry in ClinVar:

NM_018297.4(NGLY1):c.333C>A (p.Ser111Arg)

Gene: NGLY1 (N-glycanase 1; minus strand). Cytogenetic location: 3p24.2.
Variant type: single nucleotide variant.
Coding change: c.333C>A on transcript NM_018297.4 (MANE Select); coding-DNA position 333, C replaced by A.
Protein change: p.Ser111Arg; replaces serine 111 with arginine.
Molecular consequence: missense variant.
Genome position (GRCh38, 1-based): chr3:25,764,225, G>T on the plus strand (C>A on the coding strand, the complement: NGLY1 is on the minus strand). VCF-style: chr3-25764225-G-T. GRCh37 (hg19) VCF-style: chr3-25805716-G-T.
Other names: c.333C>A, p.Ser111Arg (NM_001145293.2, NM_001145295.2); c.207C>A, p.Ser69Arg (NM_001145294.2); short protein forms S111R, S69R.
Identifiers: ClinVar variation 1369710 (VCV001369710.6), dbSNP rs2125289646, ClinGen allele CA351909279.
Genomic context (GRCh38, chr3:25,764,225, plus strand): 5'-ACTGGCTGCAGGTTGCTGAGATGACTTTACTTTGTGGCTCTTATTTGAGCCATCCAGTCT[G>T]CTACTTCTCTCTATGGCAATCAGGTCACGAATTTTTTGCAGCTGCTCCACTGAAGCTTTT-3'
Protein context (NP_060767.2, residues 101-121): IRDLIAIERS[Ser111Arg]RLDGSNKSHK

ClinVar aggregate classification (germline): Uncertain significance (1 of 4 stars; one submission).

Conditions:
Congenital disorder of deglycosylation (CDDG). Identifiers: MedGen C3808991, MONDO:0031376.

Submission:

Labcorp Genetics (formerly Invitae), Labcorp
Classification: Uncertain significance for Congenital disorder of deglycosylation. Last evaluated: 2021-11-10. Review status: criteria provided, single submitter. Criteria: Invitae Variant Classification Sherloc (09022015). Collection method: clinical testing. Allele origin: germline.
Comment: Algorithms developed to predict the effect of missense changes on protein structure and function (SIFT, PolyPhen-2, Align-GVGD) all suggest that this variant is likely to be tolerated. In summary, the available evidence is currently insufficient to determine the role of this variant in disease. Therefore, it has been classified as a Variant of Uncertain Significance. This variant has not been reported in the literature in individuals affected with NGLY1-related conditions. This variant is not present in population databases (gnomAD no frequency). This sequence change replaces serine, which is neutral and polar, with arginine, which is basic and polar, at codon 111 of the NGLY1 protein (p.Ser111Arg).